The following is an entry in ClinVar:

ClinVar aggregate classification (germline): Conflicting classifications of pathogenicity. Review status: criteria provided, conflicting classifications (1 of 4 stars). 3 submissions from 3 submitters: Uncertain significance (2); Benign (1). Last evaluated 2024-12-11.

Conditions:
Palmoplantar keratoderma-esophageal carcinoma syndrome (TOC). Also called: KERATOSIS PALMARIS ET PLANTARIS WITH ESOPHAGEAL CANCER; PALMOPLANTAR KERATODERMA WITH ESOPHAGEAL CANCER; Tylosis with Esophageal Cancer. Identifiers: Orphanet 2198, MedGen C1835664, MONDO:0007856, OMIM 148500.
Inborn genetic diseases. Identifiers: MedGen C0950123, MeSH D030342.

Allele frequency attached by ClinVar (database versions not stated): ExAC 0.00004; TOPMed 0.00004; ESP Exome Variant Server 0.00023.
gnomAD v4.1: 65 of 1,608,930 alleles (0.004%); highest among the groups gnomAD compares: Admixed American, 0.0067%; no homozygotes.

Submissions (3):

Labcorp Genetics (formerly Invitae), Labcorp
Classification: Uncertain significance. Last evaluated: 2024-12-11. Review status: criteria provided, single submitter. Criteria: Invitae Variant Classification Sherloc (09022015). Collection method: clinical testing. Allele origin: germline.
Comment: This sequence change replaces arginine, which is basic and polar, with tryptophan, which is neutral and slightly polar, at codon 136 of the RHBDF2 protein (p.Arg136Trp). This variant is present in population databases (rs372953205, gnomAD 0.01%). This variant has not been reported in the literature in individuals affected with RHBDF2-related conditions. ClinVar contains an entry for this variant (Variation ID: 891027). An algorithm developed to predict the effect of missense changes on protein structure and function (PolyPhen-2) suggests that this variant is likely to be disruptive. In summary, the available evidence is currently insufficient to determine the role of this variant in disease. Therefore, it has been classified as a Variant of Uncertain Significance.

Ambry Genetics
Classification: Uncertain significance for Inborn genetic diseases. Last evaluated: 2024-01-03. Review status: criteria provided, single submitter. Criteria: Ambry Variant Classification Scheme 2023. Collection method: clinical testing. Allele origin: germline.

Illumina Laboratory Services, Illumina
Classification: Benign for Palmoplantar keratoderma-esophageal carcinoma syndrome. Last evaluated: 2018-01-13. Review status: criteria provided, single submitter. Criteria: ICSL Variant Classification Criteria 13 December 2019. Collection method: clinical testing. Allele origin: germline.
Comment: This variant was observed in the ICSL laboratory as part of a predisposition screen in an ostensibly healthy population. It had not been previously curated by ICSL or reported in the Human Gene Mutation Database (HGMD: prior to June 1st, 2018), and was therefore a candidate for classification through an automated scoring system. Utilizing variant allele frequency, disease prevalence and penetrance estimates, and inheritance mode, an automated score was calculated to assess if this variant is too frequent to cause the disease. Based on the score and internal cut-off values, a variant classified as benign is not then subjected to further curation. The score for this variant resulted in a classification of benign for this disease.

NM_001005498.4(RHBDF2):c.319C>T (p.Arg107Trp)

Gene: RHBDF2 (rhomboid 5 homolog 2; minus strand). Cytogenetic location: 17q25.1.
Variant type: single nucleotide variant.
Coding change: c.319C>T on transcript NM_001005498.4 (MANE Select); coding-DNA position 319, C replaced by T.
Protein change: p.Arg107Trp; replaces arginine 107 with tryptophan.
Molecular consequence: missense variant. On other transcripts: non-coding transcript variant (3).
Genome position (GRCh38, 1-based): chr17:76,479,231, G>A on the plus strand (C>T on the coding strand, the complement: RHBDF2 is on the minus strand). VCF-style: chr17-76479231-G-A. GRCh37 (hg19) VCF-style: chr17-74475313-G-A.
Other names: c.319C>T, p.Arg107Trp (NM_001376228.1, NM_001376229.1, NM_001376230.1); c.406C>T, p.Arg136Trp (NM_024599.5); short protein forms R136W, R107W.
Identifiers: ClinVar variation 891027 (VCV000891027.7), dbSNP rs372953205, ClinGen allele CA8787375.